The following is an entry in ClinVar:

ClinVar aggregate classification (germline): Uncertain significance (1 of 4 stars; one submission).

Conditions:
Fanconi anemia complementation group O. Also called: RAD51C-Related Fanconi Anemia. Identifiers: Orphanet 84, MedGen C3150653, MONDO:0013248, OMIM 613390.

Submission:

Labcorp Genetics (formerly Invitae), Labcorp
Classification: Uncertain significance for Fanconi anemia complementation group O. Last evaluated: 2019-10-02. Review status: criteria provided, single submitter. Criteria: Invitae Variant Classification Sherloc (09022015). Collection method: clinical testing. Allele origin: germline.
Comment: In summary, the available evidence is currently insufficient to determine the role of this variant in disease. Therefore, it has been classified as a Variant of Uncertain Significance. This variant is not present in population databases (ExAC no frequency). This sequence change replaces leucine with tryptophan at codon 326 of the RAD51C protein (p.Leu326Trp). The leucine residue is moderately conserved and there is a small physicochemical difference between leucine and tryptophan. Algorithms developed to predict the effect of missense changes on protein structure and function are either unavailable or do not agree on the potential impact of this missense change (SIFT: "Deleterious"; PolyPhen-2: "Probably Damaging"; Align-GVGD: "Class C0"). This variant has not been reported in the literature in individuals with RAD51C-related conditions.

NM_058216.3(RAD51C):c.977T>G (p.Leu326Trp)

Gene: RAD51C (RAD51 paralog C; plus strand). Cytogenetic location: 17q22.
Variant type: single nucleotide variant.
Coding change: c.977T>G on transcript NM_058216.3 (MANE Select); coding-DNA position 977, T replaced by G.
Protein change: p.Leu326Trp; replaces leucine 326 with tryptophan.
Molecular consequence: missense variant. On other transcripts: non-coding transcript variant (1).
Genome position (GRCh38, 1-based): chr17:58,732,495, T>G. VCF-style: chr17-58732495-T-G. GRCh37 (hg19) VCF-style: chr17-56809856-T-G.
Other names: short protein forms L326W.
Identifiers: ClinVar variation 965548 (VCV000965548.9), dbSNP rs749208768, ClinGen allele CA400364884.